The following is an entry in ClinVar:

NM_001048174.2(MUTYH):c.848G>A (p.Arg283Lys)

Gene: MUTYH (mutY DNA glycosylase; minus strand). Cytogenetic location: 1p34.1.
Variant type: single nucleotide variant.
Coding change: c.848G>A on transcript NM_001048174.2 (MANE Select); coding-DNA position 848, G replaced by A.
Protein change: p.Arg283Lys; replaces arginine 283 with lysine.
Molecular consequence: missense variant. On other transcripts: non-coding transcript variant (2).
Genome position (GRCh38, 1-based): chr1:45,332,167, C>T on the plus strand (G>A on the coding strand, the complement: MUTYH is on the minus strand). VCF-style: chr1-45332167-C-T. GRCh37 (hg19) VCF-style: chr1-45797839-C-T.
Other names: p.R311K:AGA>AAA; c.848G>A, p.Arg283Lys (NM_001048171.2, NM_001048173.2, NM_001293195.2); c.851G>A, p.Arg284Lys (NM_001048172.2); c.932G>A, p.Arg311Lys (NM_001128425.2); c.893G>A, p.Arg298Lys (NM_001293190.2); c.881G>A, p.Arg294Lys (NM_001293191.2); c.572G>A, p.Arg191Lys (NM_001293192.2, NM_001293196.2); c.503G>A, p.Arg168Lys (NM_001350650.2, NM_001350651.2); and 1 more; short protein forms R311K, R297K, R191K, R283K, R284K, R308K, R168K, R294K.
Identifiers: ClinVar variation 182694 (VCV000182694.58), dbSNP rs149342980, ClinGen allele CA014664.

ClinVar aggregate classification (germline): Conflicting classifications of pathogenicity. Review status: criteria provided, conflicting classifications (1 of 4 stars). 20 submissions from 19 submitters: Uncertain significance (18); Benign (1). 1 of the submissions does not count toward it. Last evaluated 2026-10-01.

Conditions:
MUTYH-related disorder. Also called: MUTYH-related condition; MUTYH-related disorders.
Familial adenomatous polyposis 2. Also called: Adenomas, multiple colorectal; MUTYH-related attenuated familial adenomatous polyposis; MUTYH Polyposis; COLORECTAL ADENOMATOUS POLYPOSIS, AUTOSOMAL RECESSIVE; ADENOMAS, MULTIPLE COLORECTAL, AUTOSOMAL RECESSIVE; MYH-associated polyposis. Identifiers: Orphanet 220460, Orphanet 247798, MedGen C3272841, MONDO:0012041, OMIM 608456.
Gastric cancer. Also called: Malignant tumor of stomach; Stomach cancer. Identifiers: MedGen C0024623, MeSH D013274, MONDO:0001056, OMIM 613659, HP:0012126.
Hereditary cancer-predisposing syndrome. Also called: Hereditary neoplastic syndrome; Tumor predisposition; Neoplastic Syndromes, Hereditary; Hereditary Cancer Syndrome. Identifiers: Orphanet 140162, MedGen C0027672, MeSH D009386, MONDO:0015356.
Pilomatrixoma (PTR). Also called: EPITHELIOMA CALCIFICANS OF MALHERBE; Pilomatricoma, somatic; PILOMATRICOMA. Identifiers: Orphanet 91414, MedGen C0206711, MeSH D018296, MONDO:0007564, OMIM 132600, HP:0030434.
Neoplasm of stomach. Also called: Stomach Neoplasms; Gastric neoplasm; Neoplasm of the stomach. Identifiers: MedGen C0038356, MONDO:0021085, HP:0006753. Disease mechanism: gain of function. Inheritance: Somatic mutation.

Allele frequency attached by ClinVar (database versions not stated): gnomAD exomes 0.00006 and 0.00011; ExAC 0.00014; 1000 Genomes Project 30x 0.00016; 1000 Genomes Project 0.00020; gnomAD 0.00021; ESP Exome Variant Server 0.00023; TOPMed 0.00023.

Submissions 1 to 7 of 20:

St. Jude Molecular Pathology, St. Jude Children's Research Hospital
Classification: Uncertain significance for Familial adenomatous polyposis 2. Last evaluated: 2026-10-01. Review status: criteria provided, single submitter. Criteria: St. Jude Assertion Criteria 2020. Collection method: clinical testing. Allele origin: germline.
Comment: The MUTYH c.932G>A p.(Arg311Lys) missense change has a maximum subpopulation frequency of 0.008% in gnomAD v2.1.1. The in silico tool REVEL predi cts a benign effect on protein function, but to our knowledge this prediction has not been confirmed by functional studies. This variant has been reported in individuals with colorectal cancer as well as control individuals (PMID: 34704405, 35668106, 279 78560, 30267214). In summary, the evidence currently available is insufficient to determine the clinical significance of this variant. It has therefore been classified as of uncertain significance.

Women's Health and Genetics/Laboratory Corporation of America, LabCorp
Classification: Uncertain significance. Last evaluated: 2026-02-12. Review status: criteria provided, single submitter. Criteria: LabCorp Variant Classification Summary - May 2015. Collection method: clinical testing. Allele origin: germline.
Comment: Variant summary: MUTYH c.932G>A (p.Arg311Lys) results in a conservative amino acid change in the encoded protein sequence. Algorithms developed to predict the effect of missense changes on protein structure and function are either unavailable or do not agree on the potential impact of this missense change. The variant allele was found at a frequency of 0.00011 in 251388 control chromosomes, predominantly at a frequency of 0.00074 within the African or African-American subpopulation in the gnomAD database. This frequency is not significantly higher than estimated for disease-causing variants in MUTYH, allowing no conclusion about variant significance. c.932G>A has been reported in the literature in individuals affected with different types of cancers including Colorectal Cancer, Pancreatic Cancer, Breast Cancer and other unspecified cancer (example, Tung_2015, Lu_2015, Pearlman_2016, Zhu_2021, Guindalini_2022, Bhai_2021). It has also been reported in both case and control cohorts of a large case-control study of Breast Cancer (Dorling_2021. 3/60466 cases vs 5/53461 controls). These report(s) do not provide unequivocal conclusions about association of the variant with MUTYH-Associated Polyposis. To our knowledge, no experimental evidence demonstrating an impact on protein function has been reported. The following publications have been ascertained in the context of this evaluation (PMID: 34326862, 35264596, 26689913, 27978560, 25186627, 33939675, 33471991). ClinVar contains an entry for this variant (Variation ID: 182694). Based on the evidence outlined above, the variant was classified as uncertain significance.

Labcorp Genetics (formerly Invitae), Labcorp
Classification: Uncertain significance for Familial adenomatous polyposis 2. Last evaluated: 2026-01-20. Review status: criteria provided, single submitter. Criteria: Invitae Variant Classification Sherloc (09022015). Collection method: clinical testing. Allele origin: germline.
Comment: This sequence change replaces arginine, which is basic and polar, with lysine, which is basic and polar, at codon 311 of the MUTYH protein (p.Arg311Lys). This variant is present in population databases (rs149342980, gnomAD 0.08%). This missense change has been observed in individual(s) with ovarian, breast, colon cancer and colorectal polyposis (PMID: 25186627, 26689913, 27978560, 35264596, 35668106). This variant is also known as c.890G>A (p.Arg297Lys). ClinVar contains an entry for this variant (Variation ID: 182694). An algorithm developed to predict the effect of missense changes on protein structure and function outputs the following: PolyPhen-2: "Benign". The lysine amino acid residue is found in multiple mammalian species, which suggests that this missense change does not adversely affect protein function. In summary, the available evidence is currently insufficient to determine the role of this variant in disease. Therefore, it has been classified as a Variant of Uncertain Significance.

PreventionGenetics, part of Exact Sciences
Classification: Uncertain significance for MUTYH-related condition. Last evaluated: 2025-12-10. Review status: criteria provided, single submitter. Criteria: ACMG Guidelines, 2015. Collection method: clinical testing. Allele origin: germline.
Comment: The MUTYH c.932G>A variant is predicted to result in the amino acid substitution p.Arg311Lys. This variant has been reported in several individuals with ovarian cancer (Supplementary Data, Lu et al. 2015. PubMed ID: 26689913), individuals with breast cancer (Supplemental Information, Cohort 1 VUS, Study ID 233, Tung et al. 2015. PubMed ID: 25186627; Table S3, Guindalini et al. 2022. PubMed ID: 35264596), and an individual with colorectal cancer (eTable 2, referred to as c.890G>A (p.Arg297Lys), Pearman et al. 2017. PubMed ID: 27978560). This variant has also been reported in an individual with unspecified type of cancer and family history of breast cancer (Table S4, Bhai et al. 2021. PubMed ID: 34326862). However, no additional data was provided to support its pathogenicity. This variant is reported in 0.080% of alleles in individuals of African descent in gnomAD and is interpreted as a variant of uncertain significance in ClinVar (Variation ID: 182694). At this time, the clinical significance of this variant is uncertain due to the absence of conclusive functional and genetic evidence.

Ambry Genetics
Classification: Benign for Hereditary cancer-predisposing syndrome. Last evaluated: 2025-08-26. Review status: criteria provided, single submitter. Criteria: Ambry Variant Classification Scheme 2023. Collection method: clinical testing. Allele origin: germline.

Quest Diagnostics Nichols Institute San Juan Capistrano
Classification: Uncertain significance. Last evaluated: 2025-07-11. Review status: criteria provided, single submitter. Criteria: Quest Diagnostics criteria. Collection method: clinical testing. Allele origin: unknown.
Comment: The MUTYH c.932G>A (p.Arg311Lys) variant has been reported in the published literature in individuals with colorectal cancer (PMIDs: 35668106 (2022), 27978560 (2016)), polyposis (PMID: 34704405 (2021)), breast cancer (PMIDs: 35264596 (2022), 25186627 (2015)), pancreatic cancer (PMID: 33939675 (2021)), and ovarian and lung cancer (PMID: 26689913 (2015)). In a large scale breast cancer association study, this variant has been observed in both breast cancer cases and reportedly unaffected individuals (PMID: 33471991 (2021), see also LOVD). The frequency of this variant in the general population (Genome Aggregation Database) is uninformative in the assessment of its pathogenicity. Analysis of this variant using bioinformatics tools for the prediction of the effect of amino acid changes on protein structure and function yielded predictions that this variant is benign. Based on the available information, we are unable to determine the clinical significance of this variant.

Center for Genomic Medicine, Rigshospitalet, Copenhagen University Hospital
Classification: Uncertain significance. Last evaluated: 2025-03-04. Review status: criteria provided, single submitter. Criteria: ACMG Guidelines, 2015. Collection method: clinical testing. Allele origin: germline.